The following is an entry in ClinVar:

NM_004064.5(CDKN1B):c.196A>C (p.Asn66His)

Gene: CDKN1B (cyclin dependent kinase inhibitor 1B; plus strand). Cytogenetic location: 12p13.1.
Variant type: single nucleotide variant.
Coding change: c.196A>C on transcript NM_004064.5 (MANE Select); coding-DNA position 196, A replaced by C.
Protein change: p.Asn66His; replaces asparagine 66 with histidine.
Molecular consequence: missense variant.
Genome position (GRCh38, 1-based): chr12:12,718,035, A>C. VCF-style: chr12-12718035-A-C. GRCh37 (hg19) VCF-style: chr12-12870969-A-C.
Other names: short protein forms N66H.
Identifiers: ClinVar variation 4224752 (VCV004224752.1).

ClinVar aggregate classification (germline): Uncertain significance (1 of 4 stars; one submission).

Conditions:
Hereditary cancer-predisposing syndrome. Also called: Hereditary Cancer Syndrome; Hereditary neoplastic syndrome; Neoplastic Syndromes, Hereditary; Tumor predisposition. Identifiers: Orphanet 140162, MedGen C0027672, MeSH D009386, MONDO:0015356.

Submission:

Ambry Genetics
Classification: Uncertain significance for Hereditary cancer-predisposing syndrome. Last evaluated: 2025-07-19. Review status: criteria provided, single submitter. Criteria: Ambry Variant Classification Scheme 2023. Collection method: clinical testing. Allele origin: germline.
Comment: The p.N66H variant (also known as c.196A>C), located in coding exon 1 of the CDKN1B gene, results from an A to C substitution at nucleotide position 196. The asparagine at codon 66 is replaced by histidine, an amino acid with similar properties. This amino acid position is conserved. In addition, this alteration is predicted to be tolerated by in silico analysis. Based on the available evidence, the clinical significance of this variant remains unclear.